The following is an entry in ClinVar:

NM_001908.5(CTSB):c.221T>C (p.Phe74Ser)

Gene: CTSB (cathepsin B). Cytogenetic location: 8p23.1.
Variant type: single nucleotide variant.
Coding change: c.221T>C on transcript NM_001908.5 (MANE Select); coding-DNA position 221, T replaced by C.
Protein change: p.Phe74Ser; replaces phenylalanine 74 with serine.
Molecular consequence: missense variant. On other transcripts: 5 prime UTR variant (1).
Genome position (GRCh38, 1-based): chr8:11,850,972, A>G on the plus strand (T>C on the coding strand, the complement: CTSB is on the minus strand). VCF-style: chr8-11850972-A-G. GRCh37 (hg19) VCF-style: chr8-11708481-A-G.
Other names: c.-33T>C (NM_001317237.2); c.221T>C, p.Phe74Ser (NM_001384714.1, NM_001384723.1, NM_001384724.1 and 8 more transcripts); short protein forms F74S.
Identifiers: ClinVar variation 2112931 (VCV002112931.4), dbSNP rs2486699389, ClinGen allele CA370321841.

ClinVar aggregate classification (germline): Uncertain significance (1 of 4 stars; one submission).

gnomAD v4.1: 1 of 1,611,704 alleles (0.000062%); highest among the groups gnomAD compares: South Asian, 0.0011%; no homozygotes.

Submission:

Labcorp Genetics (formerly Invitae), Labcorp
Classification: Uncertain significance. Last evaluated: 2023-11-27. Review status: criteria provided, single submitter. Criteria: Invitae Variant Classification Sherloc (09022015). Collection method: clinical testing. Allele origin: germline.
Comment: This sequence change replaces phenylalanine, which is neutral and non-polar, with serine, which is neutral and polar, at codon 74 of the CTSB protein (p.Phe74Ser). This variant is not present in population databases (gnomAD no frequency). This variant has not been reported in the literature in individuals affected with CTSB-related conditions. ClinVar contains an entry for this variant (Variation ID: 2112931). An algorithm developed to predict the effect of missense changes on protein structure and function (PolyPhen-2) suggests that this variant is likely to be tolerated. In summary, the available evidence is currently insufficient to determine the role of this variant in disease. Therefore, it has been classified as a Variant of Uncertain Significance.